The following is an entry in ClinVar:

ClinVar aggregate classification (germline): Pathogenic/Likely pathogenic. Review status: criteria provided, multiple submitters, no conflicts (2 of 4 stars). 3 submissions from 3 submitters: Pathogenic (2); Likely pathogenic (1). Last evaluated 2025-06-09.

Conditions:
Intellectual developmental disorder, X-linked, syndromic, Claes-Jensen type. Also called: INTELLECTUAL DEVELOPMENTAL DISORDER, X-LINKED, SYNDROMIC 16; MENTAL RETARDATION, X-LINKED, SYNDROMIC 16; Syndromic X-linked intellectual disability Claes-Jensen type. Identifiers: Orphanet 85279, MedGen C1845243, MONDO:0010355, OMIM 300534.
KDM5C-related disorder. Also called: KDM5C-related condition.

Submissions (3):

3billion
Classification: Likely pathogenic for KDM5C-related disorder. Last evaluated: 2025-06-09. Review status: criteria provided, single submitter. Criteria: ACMG Guidelines, 2015. Collection method: clinical testing. Allele origin: germline. Affected: yes.
Comment: The variant is not observed in the gnomAD v4.1.0 dataset. Predicted Consequence/Location: The variant is located in a mutational hot spot and/or well-established functional domain in which established pathogenic variants have been reported (PMID: 18697827). In silico tool predictions suggest damaging effect of the variant on gene or gene product [REVEL: 0.75 (>=0.6, sensitivity 0.68 and specificity 0.92); 3Cnet: 0.99 (> 0.75, sensitivity 0.96 and precision 0.92)]. The same nucleotide change resulting in the same amino acid change has been previously reported to be associated with KDM5C-related disorder (ClinVar ID: VCV001687694 /PMID: 18697827).The variant has been reported to co-segregate with the disease in at least 3 similarly affected relatives/individuals in the same family or similarly affected unrelated families (PMID: 18697827). Therefore, this variant is classified as Likely pathogenic according to the recommendation of ACMG/AMP guideline.

GeneDx
Classification: Pathogenic. Last evaluated: 2021-11-29. Review status: criteria provided, single submitter. Criteria: GeneDx Variant Classification Process June 2021. Collection method: clinical testing. Allele origin: germline. Affected: yes.
Comment: Not observed at significant frequency in large population cohorts (gnomAD); In silico analysis supports that this missense variant has a deleterious effect on protein structure/function; This variant is associated with the following publications: (PMID: 33504798, 18697827, 31785789, 29304373, 29276005, 29456765)

Clinical Genetics Service, Universitary Hospital 12 de Octubre
Classification: Pathogenic for Intellectual developmental disorder, X-linked, syndromic, Claes-Jensen type. Review status: criteria provided, single submitter. Criteria: ACMG Guidelines, 2015. Collection method: clinical testing. Allele origin: maternal. Affected: yes.

Literature cited by the submitters: PubMed 18697827 (cited by 3billion).

NM_004187.5(KDM5C):c.1510G>A (p.Val504Met)

Gene: KDM5C (lysine demethylase 5C; minus strand). Cytogenetic location: Xp11.22.
Variant type: single nucleotide variant.
Coding change: c.1510G>A on transcript NM_004187.5 (MANE Select); coding-DNA position 1510, G replaced by A.
Protein change: p.Val504Met; replaces valine 504 with methionine.
Molecular consequence: missense variant. On other transcripts: non-coding transcript variant (3).
Genome position (GRCh38, 1-based): chrX:53,210,749, C>T on the plus strand (G>A on the coding strand, the complement: KDM5C is on the minus strand). VCF-style: chrX-53210749-C-T. GRCh37 (hg19) VCF-style: chrX-53239931-C-T.
Other names: c.1507G>A, p.Val503Met (NM_001353982.2, NM_001282622.3, NM_001353979.2); c.1510G>A, p.Val504Met (NM_001353984.2, NM_001353978.3, NM_001353981.2); c.1309G>A, p.Val437Met (NM_001146702.2); c.1510G>A (NM_004187.3); short protein forms V437M, V503M, V504M.
Identifiers: ClinVar variation 1687694 (VCV001687694.5), dbSNP rs2146916049, ClinGen allele CA413128596.